The following is an entry in ClinVar:

NM_006231.4(POLE):c.3583-3C>G

Gene: POLE (DNA polymerase epsilon, catalytic subunit; minus strand). Cytogenetic location: 12q24.33.
Variant type: single nucleotide variant.
Coding change: c.3583-3C>G on transcript NM_006231.4 (MANE Select); 3 bases into the intron before coding-DNA position 3583, C replaced by G.
Molecular consequence: intron variant.
Genome position (GRCh38, 1-based): chr12:132,649,892, G>C on the plus strand (C>G on the coding strand, the complement: POLE is on the minus strand). VCF-style: chr12-132649892-G-C. GRCh37 (hg19) VCF-style: chr12-133226478-G-C.
Other names: c.3583-3C>G (NM_006231.2).
Identifiers: ClinVar variation 3686955 (VCV003686955.3).

ClinVar aggregate classification (germline): Uncertain significance. Review status: criteria provided, multiple submitters, no conflicts (2 of 4 stars). 2 submissions from 2 submitters: Uncertain significance (2). Last evaluated 2025-04-16.

Conditions:
Hereditary cancer-predisposing syndrome. Also called: Tumor predisposition; Neoplastic Syndromes, Hereditary; Hereditary Cancer Syndrome; Hereditary neoplastic syndrome. Identifiers: Orphanet 140162, MedGen C0027672, MeSH D009386, MONDO:0015356.

Submissions (2):

Ambry Genetics
Classification: Uncertain significance for Hereditary cancer-predisposing syndrome. Last evaluated: 2025-04-16. Review status: criteria provided, single submitter. Criteria: Ambry Variant Classification Scheme 2023. Collection method: clinical testing. Allele origin: germline.
Comment: The c.3583-3C>G intronic variant results from a C to G substitution 3 nucleotides upstream from coding exon 30 in the POLE gene. This nucleotide position is not well conserved in available vertebrate species. In silico splice site analysis predicts that this alteration will not have any significant effect on splicing. Based on the available evidence, the clinical significance of this variant remains unclear.

Labcorp Genetics (formerly Invitae), Labcorp
Classification: Uncertain significance. Last evaluated: 2025-01-27. Review status: criteria provided, single submitter. Criteria: Invitae Variant Classification Sherloc (09022015). Collection method: clinical testing. Allele origin: germline.
Comment: This sequence change falls in intron 29 of the POLE gene. It does not directly change the encoded amino acid sequence of the POLE protein. RNA analysis indicates that this variant induces altered splicing and may result in an absent or altered protein product. This variant is not present in population databases (gnomAD no frequency). This variant has not been reported in the literature in individuals affected with POLE-related conditions. Variants that disrupt the consensus splice site are a relatively common cause of aberrant splicing (PMID: 17576681, 9536098). Studies have shown that this variant results in activation of a cryptic splice site, and produces a non-functional protein and/or introduces a premature termination codon (internal data). In summary, the available evidence is currently insufficient to determine the role of this variant in disease. Therefore, it has been classified as a Variant of Uncertain Significance.

Literature cited by the submitters: PubMed 17576681 (cited by Labcorp Genetics (formerly Invitae), Labcorp); PubMed 9536098 (cited by Labcorp Genetics (formerly Invitae), Labcorp).